The following is an entry in ClinVar:

ClinVar aggregate classification (germline): Likely benign (1 of 4 stars; one submission).

Submission:

CeGaT Center for Human Genetics Tuebingen
Classification: Likely benign. Last evaluated: 2025-10-01. Review status: criteria provided, single submitter. Criteria: CeGaT Center For Human Genetics Tuebingen Variant Classification Criteria Version 2. Collection method: clinical testing. Allele origin: germline. Affected: yes. Observed: 1 variant allele.
Comment: KDM2B: BS2

NM_032590.5(KDM2B):c.*137dup

Gene: KDM2B (lysine demethylase 2B; minus strand). Cytogenetic location: 12q24.31.
Variant type: Duplication.
Coding change: c.*137dup on transcript NM_032590.5 (MANE Select); 137 bases downstream of the stop codon, one base duplicated (A; older notation c.*137dupA).
Molecular consequence: 3 prime UTR variant. On other transcripts: frameshift variant (5).
Genome position (GRCh38, 1-based): chr12:121,430,151, T duplicated on the plus strand (A on the coding strand, the reverse complement: KDM2B is on the minus strand). VCF-style (leftmost placement, unchanged base first): chr12-121430150-C-CT. GRCh37 (hg19) VCF-style: chr12-121867953-C-CT.
Other names: c.3763dup, p.Arg1255fs (NM_001005366.2); c.*137dup (NM_001439014.1, NM_001439016.1, NM_001439017.1 and 7 more transcripts); c.4066dup, p.Arg1356fs (NM_001439015.1); c.3970dup, p.Arg1324fs (NM_001439018.1); c.3907dup, p.Arg1303fs (NM_001439023.1); c.3877dup, p.Arg1293fs (NM_001439026.1); short protein forms R1255fs, R1293fs, R1303fs, R1324fs, R1356fs.
Identifiers: ClinVar variation 4535015 (VCV004535015.6).
Genomic context (GRCh38, chr12:121,430,150, plus strand): 5'-CAGAAAGACCAAAGGAAAGTGTCGGCTCACTCATCCCCCAAACGGGTGGTTGAACAGCTT[C>CT]TCCCTTGGAAAGACTTGCAAAATGGAATTGCGTTGTGGTCTGTTGTCCCACGTTCCAAAT-3'